The following is an entry in ClinVar:

NM_024592.5(SRD5A3):c.517G>A (p.Val173Ile)

Gene: SRD5A3 (steroid 5 alpha-reductase 3; plus strand). Cytogenetic location: 4q12.
Variant type: single nucleotide variant.
Coding change: c.517G>A on transcript NM_024592.5 (MANE Select); coding-DNA position 517, G replaced by A.
Protein change: p.Val173Ile; replaces valine 173 with isoleucine.
Molecular consequence: missense variant.
Genome position (GRCh38, 1-based): chr4:55,364,226, G>A. VCF-style: chr4-55364226-G-A. GRCh37 (hg19) VCF-style: chr4-56230393-G-A.
Other names: c.517G>A (NM_024592.4); short protein forms V173I.
Identifiers: ClinVar variation 1490042 (VCV001490042.6), dbSNP rs758023141, ClinGen allele CA2925311.

ClinVar aggregate classification (germline): Uncertain significance. Review status: criteria provided, multiple submitters, no conflicts (2 of 4 stars). 2 submissions from 2 submitters: Uncertain significance (2). Last evaluated 2024-06-25.

Conditions:
Inborn genetic diseases. Identifiers: MedGen C0950123, MeSH D030342.
SRD5A3-congenital disorder of glycosylation. Also called: SRD5A3-CDG; COLOBOMA, OCULAR, WITH ICHTHYOSIS, BRAIN MALFORMATIONS, AND ENDOCRINE ABNORMALITIES; CDG Iq; Ocular colobomas, ichthyosis, brain malformations and endocrine abnormalities; Congenital disorder of glycosylation type 1Q. Identifiers: Orphanet 324737, MedGen C4317224, MONDO:0012885, OMIM 612379.

Allele frequency attached by ClinVar (database versions not stated): gnomAD 0.00001; gnomAD exomes 0.00003 and 0.00006; TOPMed 0.00003; ExAC 0.00006.
gnomAD v4.1: 17 of 1,614,012 alleles (0.0011%); highest among the groups gnomAD compares: Admixed American, 0.027%; no homozygotes.

Submissions (2):

Ambry Genetics
Classification: Uncertain significance for Inborn genetic diseases. Last evaluated: 2024-06-25. Review status: criteria provided, single submitter. Criteria: Ambry Variant Classification Scheme 2023. Collection method: clinical testing. Allele origin: germline.

Labcorp Genetics (formerly Invitae), Labcorp
Classification: Uncertain significance for SRD5A3-congenital disorder of glycosylation. Last evaluated: 2022-08-13. Review status: criteria provided, single submitter. Criteria: Invitae Variant Classification Sherloc (09022015). Collection method: clinical testing. Allele origin: germline.
Comment: This sequence change replaces valine, which is neutral and non-polar, with isoleucine, which is neutral and non-polar, at codon 173 of the SRD5A3 protein (p.Val173Ile). This variant is present in population databases (rs758023141, gnomAD 0.04%). This variant has not been reported in the literature in individuals affected with SRD5A3-related conditions. ClinVar contains an entry for this variant (Variation ID: 1490042). Algorithms developed to predict the effect of missense changes on protein structure and function output the following: SIFT: "Tolerated"; PolyPhen-2: "Benign"; Align-GVGD: "Class C0". The isoleucine amino acid residue is found in multiple mammalian species, which suggests that this missense change does not adversely affect protein function. In summary, the available evidence is currently insufficient to determine the role of this variant in disease. Therefore, it has been classified as a Variant of Uncertain Significance.